The following is an entry in ClinVar:

ClinVar aggregate classification (germline): Uncertain significance (1 of 4 stars; one submission).

Submission:

Labcorp Genetics (formerly Invitae), Labcorp
Classification: Uncertain significance. Last evaluated: 2022-12-20. Review status: criteria provided, single submitter. Criteria: Invitae Variant Classification Sherloc (09022015). Collection method: clinical testing. Allele origin: germline.
Comment: Algorithms developed to predict the effect of missense changes on protein structure and function are either unavailable or do not agree on the potential impact of this missense change (SIFT: "Deleterious"; PolyPhen-2: "Not Available"; Align-GVGD: "Class C0"). In summary, the available evidence is currently insufficient to determine the role of this variant in disease. Therefore, it has been classified as a Variant of Uncertain Significance. This variant has not been reported in the literature in individuals affected with ERCC6L2-related conditions. This variant is not present in population databases (gnomAD no frequency). This sequence change replaces aspartic acid, which is acidic and polar, with glycine, which is neutral and non-polar, at codon 913 of the ERCC6L2 protein (p.Asp913Gly).

NM_020207.7(ERCC6L2):c.2705A>G (p.Asp902Gly)

Gene: ERCC6L2 (ERCC excision repair 6 like 2; plus strand). Cytogenetic location: 9q22.32.
Variant type: single nucleotide variant.
Coding change: c.2705A>G on transcript NM_020207.7 (MANE Select); coding-DNA position 2705, A replaced by G.
Protein change: p.Asp902Gly; replaces aspartic acid 902 with glycine.
Molecular consequence: missense variant. On other transcripts: non-coding transcript variant (1).
Genome position (GRCh38, 1-based): chr9:95,972,456, A>G. VCF-style: chr9-95972456-A-G. GRCh37 (hg19) VCF-style: chr9-98734738-A-G.
Other names: c.2705A>G, p.Asp902Gly (NM_001375291.1, NM_001375292.1, NM_001375293.1 and 1 more transcripts); short protein forms D902G.
Identifiers: ClinVar variation 2822568 (VCV002822568.3), dbSNP rs1030917743, ClinGen allele CA2739264852.